The following is an entry in ClinVar:

NM_001242896.3(DEPDC5):c.3068C>T (p.Thr1023Met)

Gene: DEPDC5 (DEP domain containing 5, GATOR1 subcomplex subunit; plus strand). Cytogenetic location: 22q12.3.
Variant type: single nucleotide variant.
Coding change: c.3068C>T on transcript NM_001242896.3 (MANE Select); coding-DNA position 3068, C replaced by T.
Protein change: p.Thr1023Met; replaces threonine 1023 with methionine.
Molecular consequence: missense variant. On other transcripts: non-coding transcript variant (5).
Genome position (GRCh38, 1-based): chr22:31,846,880, C>T. VCF-style: chr22-31846880-C-T. GRCh37 (hg19) VCF-style: chr22-32242866-C-T.
Other names: c.3041C>T, p.Thr1014Met (NM_001136029.4, NM_001369903.1, NM_014662.6); c.2834C>T, p.Thr945Met (NM_001242897.2, NM_001363854.2, NM_001364319.2); c.3068C>T, p.Thr1023Met (NM_001363852.2, NM_001364318.2, NM_001364320.2); c.2984C>T, p.Thr995Met (NM_001369901.1, NM_001369902.1); short protein forms T1023M, T945M, T995M, T1014M.
Identifiers: ClinVar variation 836607 (VCV000836607.29), dbSNP rs780752142, ClinGen allele CA10196870.

ClinVar aggregate classification (germline): Uncertain significance. Review status: criteria provided, multiple submitters, no conflicts (2 of 4 stars). 3 submissions from 3 submitters: Uncertain significance (3). Last evaluated 2025-08-28.

Conditions:
Familial focal epilepsy with variable foci (FPEVF). Identifiers: Orphanet 98820, MedGen C1858477, MONDO:0020310.
Inborn genetic diseases. Identifiers: MedGen C0950123, MeSH D030342.

Allele frequency attached by ClinVar (database versions not stated): gnomAD exomes 0.00001 and 0.00002; gnomAD 0.00002; TOPMed 0.00002; ExAC 0.00003.
gnomAD v4.1: 25 of 1,614,122 alleles (0.0015%); highest among the groups gnomAD compares: African/African-American, 0.0053%; no homozygotes.

Submissions (3):

Ambry Genetics
Classification: Uncertain significance for Inborn genetic diseases. Last evaluated: 2025-08-28. Review status: criteria provided, single submitter. Criteria: Ambry Variant Classification Scheme 2023. Collection method: clinical testing. Allele origin: germline.

Labcorp Genetics (formerly Invitae), Labcorp
Classification: Uncertain significance for Familial focal epilepsy with variable foci. Last evaluated: 2025-08-04. Review status: criteria provided, single submitter. Criteria: Invitae Variant Classification Sherloc (09022015). Collection method: clinical testing. Allele origin: germline.
Comment: This sequence change replaces threonine, which is neutral and polar, with methionine, which is neutral and non-polar, at codon 1023 of the DEPDC5 protein (p.Thr1023Met). This variant is present in population databases (rs780752142, gnomAD 0.004%). This variant has not been reported in the literature in individuals affected with DEPDC5-related conditions. ClinVar contains an entry for this variant (Variation ID: 836607). Experimental studies and prediction algorithms are not available or were not evaluated, and the functional significance of this variant is currently unknown. In summary, the available evidence is currently insufficient to determine the role of this variant in disease. Therefore, it has been classified as a Variant of Uncertain Significance.

CeGaT Center for Human Genetics Tuebingen
Classification: Uncertain significance. Last evaluated: 2024-07-01. Review status: criteria provided, single submitter. Criteria: CeGaT Center For Human Genetics Tuebingen Variant Classification Criteria Version 2. Collection method: clinical testing. Allele origin: germline. Affected: yes. Observed: 1 variant allele.
Comment: DEPDC5: PM2, BP4